The following is an entry in ClinVar:

NM_001220.5(CAMK2B):c.569C>T (p.Ala190Val)

Gene: CAMK2B (calcium/calmodulin dependent protein kinase II beta; minus strand). Cytogenetic location: 7p13.
Variant type: single nucleotide variant.
Coding change: c.569C>T on transcript NM_001220.5 (MANE Select); coding-DNA position 569, C replaced by T.
Protein change: p.Ala190Val; replaces alanine 190 with valine.
Molecular consequence: missense variant.
Genome position (GRCh38, 1-based): chr7:44,243,282, G>A on the plus strand (C>T on the coding strand, the complement: CAMK2B is on the minus strand). VCF-style: chr7-44243282-G-A. GRCh37 (hg19) VCF-style: chr7-44282881-G-A.
Other names: c.569C>T, p.Ala190Val (NM_001293170.2, NM_172078.3, NM_172079.3 and 5 more transcripts); short protein forms A190V.
Identifiers: ClinVar variation 1469940 (VCV001469940.6), dbSNP rs2096699547, ClinGen allele CA367365654.

ClinVar aggregate classification (germline): Uncertain significance (1 of 4 stars; one submission).

Allele frequency attached by ClinVar (database versions not stated): gnomAD exomes below 0.00001; TOPMed below 0.00001.
gnomAD v4.1: 3 of 1,613,950 alleles (0.00019%); highest among the groups gnomAD compares: South Asian, 0.0011%; no homozygotes.

Submission:

Labcorp Genetics (formerly Invitae), Labcorp
Classification: Uncertain significance. Last evaluated: 2021-09-03. Review status: criteria provided, single submitter. Criteria: Invitae Variant Classification Sherloc (09022015). Collection method: clinical testing. Allele origin: germline.
Comment: This sequence change replaces alanine with valine at codon 190 of the CAMK2B protein (p.Ala190Val). The alanine residue is highly conserved and there is a small physicochemical difference between alanine and valine. This variant is not present in population databases (ExAC no frequency). This variant has not been reported in the literature in individuals affected with CAMK2B-related conditions. Algorithms developed to predict the effect of missense changes on protein structure and function (SIFT, PolyPhen-2, Align-GVGD) all suggest that this variant is likely to be disruptive. Algorithms developed to predict the effect of sequence changes on RNA splicing suggest that this variant may create or strengthen a splice site. In summary, the available evidence is currently insufficient to determine the role of this variant in disease. Therefore, it has been classified as a Variant of Uncertain Significance.